The following is an entry in ClinVar:

ClinVar aggregate classification (germline): Uncertain significance (1 of 4 stars; one submission).

Conditions:
Mitochondrial complex II deficiency, nuclear type 1. Also called: SUCCINATE CoQ REDUCTASE DEFICIENCY. Identifiers: Orphanet 3208, MedGen C5700310, MONDO:0100294, OMIM 252011.
Pheochromocytoma/paraganglioma syndrome 5. Also called: SDHA-Related Hereditary Paraganglioma-Pheochromocytoma Syndrome; Paragangliomas 5. Identifiers: Orphanet 29072, MedGen C3279992, MONDO:0013602, OMIM 614165.

Submission:

Labcorp Genetics (formerly Invitae), Labcorp
Classification: Uncertain significance for Pheochromocytoma/paraganglioma syndrome 5; Mitochondrial complex II deficiency, nuclear type 1. Last evaluated: 2016-11-25. Review status: criteria provided, single submitter. Criteria: Invitae Variant Classification Sherloc (09022015). Collection method: clinical testing. Allele origin: germline.
Comment: This sequence change falls in intron 2 of the SDHA gene. It does not directly change the encoded amino acid sequence of the SDHA protein. In summary, this is a novel intronic change with uncertain impact on splicing. It has been classified as a Variant of Uncertain Significance. This variant is not present in population databases (ExAC no frequency) and has not been reported in the literature in individuals with an SDHA-related disease. Algorithms developed to predict the effect of nucleotide changes on RNA splicing suggest that this intronic variant may alter RNA splicing, but this prediction has not been confirmed by published transcriptional studies.

NM_004168.4(SDHA):c.150+6T>G

Gene: SDHA (succinate dehydrogenase complex flavoprotein subunit A; plus strand). Cytogenetic location: 5p15.33.
Variant type: single nucleotide variant.
Coding change: c.150+6T>G on transcript NM_004168.4 (MANE Select); 6 bases into the intron after coding-DNA position 150, T replaced by G.
Molecular consequence: intron variant.
Genome position (GRCh38, 1-based): chr5:223,574, T>G. VCF-style: chr5-223574-T-G. GRCh37 (hg19) VCF-style: chr5-223689-T-G.
Other names: c.150+6T>G (NM_001330758.2, NM_001294332.2).
Identifiers: ClinVar variation 412324 (VCV000412324.7), dbSNP rs1060503699, ClinGen allele CA16612042.